The following is an entry in ClinVar:

NM_020442.6(VARS2):c.-28+89C>T

Gene: VARS2 (valyl-tRNA synthetase 2, mitochondrial; plus strand). Cytogenetic location: 6p21.33.
Variant type: single nucleotide variant.
Coding change: c.-28+89C>T on transcript NM_020442.6 (MANE Select); 89 bases into the intron after 28 bases upstream of the start codon, C replaced by T.
Molecular consequence: intron variant. On other transcripts: missense variant (1).
Genome position (GRCh38, 1-based): chr6:30,914,433, C>T. VCF-style: chr6-30914433-C-T. GRCh37 (hg19) VCF-style: chr6-30882210-C-T.
Other names: p.Arg8Cys; c.22C>T, p.Arg8Cys (NM_001167734.2); c.-220+89C>T (NM_001167733.3); short protein forms R8C.
Identifiers: ClinVar variation 1254460 (VCV001254460.7), dbSNP rs948200308, ClinGen allele CA136802274.

ClinVar aggregate classification (germline): Uncertain significance. Review status: criteria provided, multiple submitters, no conflicts (2 of 4 stars). 3 submissions from 3 submitters: Uncertain significance (3). Last evaluated 2025-09-27.

Conditions:
Inborn genetic diseases. Identifiers: MedGen C0950123, MeSH D030342.

Submissions (3):

Mayo Clinic Laboratories, Mayo Clinic
Classification: Uncertain significance. Last evaluated: 2025-09-27. Review status: criteria provided, single submitter. Criteria: ACMG Guidelines, 2015. Collection method: clinical testing. Allele origin: germline. Observed: 1 variant allele.
Comment: BP4_moderate

GeneDx
Classification: Uncertain significance. Last evaluated: 2024-12-03. Review status: criteria provided, single submitter. Criteria: GeneDx Variant Classification Process June 2021. Collection method: clinical testing. Allele origin: germline. Affected: yes.
Comment: Not observed at significant frequency in large population cohorts (gnomAD); In silico analysis indicates that this missense variant does not alter protein structure/function; Has not been previously published as pathogenic or benign to our knowledge

Ambry Genetics
Classification: Uncertain significance for Inborn genetic diseases. Last evaluated: 2023-03-02. Review status: criteria provided, single submitter. Criteria: Ambry Variant Classification Scheme 2023. Collection method: clinical testing. Allele origin: germline.